The following is an entry in ClinVar:

NM_001042492.3(NF1):c.2325+1G>C

Gene: NF1 (neurofibromin 1; plus strand). Cytogenetic location: 17q11.2.
Variant type: single nucleotide variant.
Coding change: c.2325+1G>C on transcript NM_001042492.3 (MANE Select); the canonical splice donor site of the intron after coding-DNA position 2325, G replaced by C.
Molecular consequence: splice donor variant.
Genome position (GRCh38, 1-based): chr17:31,227,292, G>C. VCF-style: chr17-31227292-G-C. GRCh37 (hg19) VCF-style: chr17-29554310-G-C.
Other names: c.2325+1G>C (NM_000267.4).
Identifiers: ClinVar variation 2012117 (VCV002012117.5), dbSNP rs1555613933, ClinGen allele CA398982950.

ClinVar aggregate classification (germline): Pathogenic/Likely pathogenic. Review status: criteria provided, multiple submitters, no conflicts (2 of 4 stars). 2 submissions from 2 submitters: Pathogenic (1); Likely pathogenic (1). Last evaluated 2025-02-25.

Conditions:
Neurofibromatosis, type 1 (NF1). Also called: Neurofibromatosis, type I; Peripheral type neurofibromatosis; VON RECKLINGHAUSEN DISEASE; NEUROFIBROMATOSIS, TYPE I, SOMATIC. Identifiers: Orphanet 636, MedGen C0027831, MONDO:0018975, OMIM 162200. Disease mechanism: loss of function.
Juvenile myelomonocytic leukemia (JMML). Also called: LEUKEMIA, JUVENILE MYELOMONOCYTIC, SOMATIC. Identifiers: Orphanet 86834, MedGen C0349639, MONDO:0011908, OMIM 607785, HP:0012209.

Submissions (2):

Labcorp Genetics (formerly Invitae), Labcorp
Classification: Pathogenic for Neurofibromatosis, type 1. Last evaluated: 2025-02-25. Review status: criteria provided, single submitter. Criteria: Invitae Variant Classification Sherloc (09022015). Collection method: clinical testing. Allele origin: germline.
Comment: This sequence change affects a donor splice site in intron 19 of the NF1 gene. It is expected to disrupt RNA splicing. Variants that disrupt the donor or acceptor splice site typically lead to a loss of protein function (PMID: 16199547), and loss-of-function variants in NF1 are known to be pathogenic (PMID: 10712197, 23913538). This variant is not present in population databases (gnomAD no frequency). Disruption of this splice site has been observed in individuals with neurofibromatosis type 1 (PMID: 12687660, 23758643). ClinVar contains an entry for this variant (Variation ID: 2012117). Algorithms developed to predict the effect of sequence changes on RNA splicing suggest that this variant may disrupt the consensus splice site. For these reasons, this variant has been classified as Pathogenic.

Baylor Genetics
Classification: Likely pathogenic for Juvenile myelomonocytic leukemia. Last evaluated: 2021-08-18. Review status: criteria provided, single submitter. Criteria: ACMG Guidelines, 2015. Collection method: clinical testing. Allele origin: unknown.

Literature cited by the submitters: PubMed 16199547 (cited by Labcorp Genetics (formerly Invitae), Labcorp); PubMed 10712197 (cited by Labcorp Genetics (formerly Invitae), Labcorp); PubMed 23913538 (cited by Labcorp Genetics (formerly Invitae), Labcorp); PubMed 12687660 (cited by Labcorp Genetics (formerly Invitae), Labcorp); PubMed 23758643 (cited by Labcorp Genetics (formerly Invitae), Labcorp).